The following is an entry in ClinVar:

NM_001164405.2(BHLHA9):c.559C>G (p.Arg187Gly)

Gene: BHLHA9 (basic helix-loop-helix family member a9; plus strand). Cytogenetic location: 17p13.3.
Variant type: single nucleotide variant.
Coding change: c.559C>G on transcript NM_001164405.2 (MANE Select); coding-DNA position 559, C replaced by G.
Protein change: p.Arg187Gly; replaces arginine 187 with glycine.
Molecular consequence: missense variant.
Genome position (GRCh38, 1-based): chr17:1,271,122, C>G. VCF-style: chr17-1271122-C-G. GRCh37 (hg19) VCF-style: chr17-1174416-C-G.
Other names: c.559C>G (NM_001164405.1); short protein forms R187G.
Identifiers: ClinVar variation 2054667 (VCV002054667.2), dbSNP rs912059800, ClinGen allele CA286779146.

ClinVar aggregate classification (germline): Conflicting classifications of pathogenicity. Review status: criteria provided, conflicting classifications (1 of 4 stars). 2 submissions from 2 submitters: Uncertain significance (1); Likely benign (1). Last evaluated 2024-08-20.

Allele frequency attached by ClinVar (database versions not stated): 1000 Genomes Project 30x 0.00031; gnomAD 0.00051; TOPMed 0.00072.
gnomAD v4.1: 1,095 of 1,229,204 alleles (0.089%); highest among the groups gnomAD compares: South Asian, 0.17%; no homozygotes.

Submissions (2):

GeneDx
Classification: Likely benign. Last evaluated: 2024-08-20. Review status: criteria provided, single submitter. Criteria: GeneDx Variant Classification Process June 2021. Collection method: clinical testing. Allele origin: germline. Affected: yes.
Comment: See Variant Classification Assertion Criteria.

Labcorp Genetics (formerly Invitae), Labcorp
Classification: Uncertain significance. Last evaluated: 2022-04-04. Review status: criteria provided, single submitter. Criteria: Invitae Variant Classification Sherloc (09022015). Collection method: clinical testing. Allele origin: germline.
Comment: This sequence change replaces arginine, which is basic and polar, with glycine, which is neutral and non-polar, at codon 187 of the BHLHA9 protein (p.Arg187Gly). The frequency data for this variant in the population databases is considered unreliable, as metrics indicate poor data quality at this position in the gnomAD database. This variant has not been reported in the literature in individuals affected with BHLHA9-related conditions. Algorithms developed to predict the effect of missense changes on protein structure and function are either unavailable or do not agree on the potential impact of this missense change (SIFT: "Deleterious"; PolyPhen-2: "Benign"; Align-GVGD: "Class C0"). In summary, the available evidence is currently insufficient to determine the role of this variant in disease. Therefore, it has been classified as a Variant of Uncertain Significance.